The following is an entry in ClinVar:

ClinVar aggregate classification (germline): Uncertain significance (1 of 4 stars; one submission).

Conditions:
Progressive encephalopathy with leukodystrophy due to DECR deficiency. Identifiers: Orphanet 431361, MedGen C1857252, MONDO:0014464, OMIM 616034.

Allele frequency attached by ClinVar (database versions not stated): gnomAD exomes below 0.00001.
gnomAD v4.1: 1 of 1,333,540 alleles (0.000075%); highest among the groups gnomAD compares: East Asian, 0.0034%; no homozygotes.

Submission:

Labcorp Genetics (formerly Invitae), Labcorp
Classification: Uncertain significance for Progressive encephalopathy with leukodystrophy due to DECR deficiency. Last evaluated: 2020-02-29. Review status: criteria provided, single submitter. Criteria: Invitae Variant Classification Sherloc (09022015). Collection method: clinical testing. Allele origin: germline.
Comment: This sequence change replaces threonine with isoleucine at codon 2 of the NADK2 protein (p.Thr2Ile). The threonine residue is weakly conserved and there is a moderate physicochemical difference between threonine and isoleucine. The frequency data for this variant in the population databases is considered unreliable, as metrics indicate insufficient coverage at this position in the ExAC database. This variant has not been reported in the literature in individuals with NADK2-related conditions. Algorithms developed to predict the effect of missense changes on protein structure and function are either unavailable or do not agree on the potential impact of this missense change (SIFT: "Tolerated"; PolyPhen-2: "Possibly Damaging"; Align-GVGD: "Class C0"). In summary, the available evidence is currently insufficient to determine the role of this variant in disease. Therefore, it has been classified as a Variant of Uncertain Significance.

NM_001085411.3(NADK2):c.5C>T (p.Thr2Ile)

Genes: NADK2 (NAD kinase 2, mitochondrial; minus strand), LOC129993801 (ATAC-STARR-seq lymphoblastoid silent region 15972; plus strand). Cytogenetic location: 5p13.2.
Variant type: single nucleotide variant.
Coding change: c.5C>T on transcript NM_001085411.3 (MANE Select); coding-DNA position 5, C replaced by T.
Protein change: p.Thr2Ile; replaces threonine 2 with isoleucine.
Molecular consequence: missense variant. On other transcripts: intron variant (2).
Genome position (GRCh38, 1-based): chr5:36,241,794, G>A on the plus strand (C>T on the coding strand, the complement: NADK2 is on the minus strand). VCF-style: chr5-36241794-G-A. GRCh37 (hg19) VCF-style: chr5-36241896-G-A.
Other names: c.-190+302C>T (NM_153013.5, NM_001287341.2); short protein forms T2I.
Identifiers: ClinVar variation 1053414 (VCV001053414.9), dbSNP rs2112225971, ClinGen allele CA359448264.